The following is an entry in ClinVar:

ClinVar aggregate classification (germline): Uncertain significance (1 of 4 stars; one submission).

Conditions:
Cardiovascular phenotype. Identifiers: MedGen CN230736.

Allele frequency attached by ClinVar (database versions not stated): gnomAD exomes 0.00001; TOPMed below 0.00001.
gnomAD v4.1: 9 of 1,614,034 alleles (0.00056%); highest among the groups gnomAD compares: Middle Eastern, 0.016%; no homozygotes.

Submission:

Ambry Genetics
Classification: Uncertain significance for Cardiovascular phenotype. Last evaluated: 2026-09-11. Review status: criteria provided, single submitter. Criteria: Ambry Variant Classification Scheme 2023. Collection method: clinical testing. Allele origin: germline.
Comment: The p.P2460S variant (also known as c.7378C>T), located in coding exon 26 of the APOB gene, results from a C to T substitution at nucleotide position 7378. The proline at codon 2460 is replaced by serine, an amino acid with similar properties. This amino acid position is conserved. In addition, this alteration is predicted to be tolerated by in silico analysis. Based on the available evidence, the clinical significance of this variant remains unclear.

NM_000384.3(APOB):c.7378C>T (p.Pro2460Ser)

Gene: APOB (apolipoprotein B; minus strand). Cytogenetic location: 2p24.1.
Variant type: single nucleotide variant.
Coding change: c.7378C>T on transcript NM_000384.3 (MANE Select); coding-DNA position 7378, C replaced by T.
Protein change: p.Pro2460Ser; replaces proline 2460 with serine.
Molecular consequence: missense variant.
Genome position (GRCh38, 1-based): chr2:21,009,490, G>A on the plus strand (C>T on the coding strand, the complement: APOB is on the minus strand). VCF-style: chr2-21009490-G-A. GRCh37 (hg19) VCF-style: chr2-21232362-G-A.
Other names: short protein forms P2460S.
Identifiers: ClinVar variation 3127917 (VCV003127917.2), dbSNP rs1663245763, ClinGen allele CA345997287.